The following is an entry in ClinVar:

ClinVar aggregate classification (germline): Uncertain significance (1 of 4 stars; one submission).

Conditions:
Pancreatic adenocarcinoma. Identifiers: MedGen C0281361, MONDO:0006047, HP:0006725.

Allele frequency attached by ClinVar (database versions not stated): gnomAD 0.00001; gnomAD exomes 0.00001; TOPMed 0.00001.
gnomAD v4.1: 5 of 1,609,568 alleles (0.00031%); highest among the groups gnomAD compares: Non-Finnish European, 0.00043%; no homozygotes.

Submission:

Labcorp Genetics (formerly Invitae), Labcorp
Classification: Uncertain significance for Pancreatic adenocarcinoma. Last evaluated: 2023-08-17. Review status: criteria provided, single submitter. Criteria: Invitae Variant Classification Sherloc (09022015). Collection method: clinical testing. Allele origin: germline.
Comment: This variant has not been reported in the literature in individuals affected with PALLD-related conditions. In summary, the available evidence is currently insufficient to determine the role of this variant in disease. Therefore, it has been classified as a Variant of Uncertain Significance. An algorithm developed to predict the effect of missense changes on protein structure and function (PolyPhen-2) suggests that this variant is likely to be tolerated. ClinVar contains an entry for this variant (Variation ID: 581269). This variant is not present in population databases (gnomAD no frequency). This sequence change replaces proline, which is neutral and non-polar, with leucine, which is neutral and non-polar, at codon 394 of the PALLD protein (p.Pro394Leu).

NM_001166108.2(PALLD):c.2693C>T (p.Pro898Leu)

Genes: CBR4 (carbonyl reductase 4; minus strand), PALLD (palladin, cytoskeletal associated protein; plus strand). Cytogenetic location: 4q32.3.
Variant type: single nucleotide variant.
Coding change: c.2693C>T on transcript NM_001166108.2 (MANE Select); coding-DNA position 2693, C replaced by T.
Protein change: p.Pro898Leu; replaces proline 898 with leucine.
Molecular consequence: missense variant.
Genome position (GRCh38, 1-based): chr4:168,913,997, C>T. VCF-style: chr4-168913997-C-T. GRCh37 (hg19) VCF-style: chr4-169835148-C-T.
Other names: c.1496C>T, p.Pro499Leu (NM_001166109.2); c.1181C>T, p.Pro394Leu (NM_001166110.2); c.521C>T, p.Pro174Leu (NM_001367567.1, NM_001367569.1); c.572C>T, p.Pro191Leu (NM_001367568.1, NM_001367570.1); c.2642C>T, p.Pro881Leu (NM_016081.4); short protein forms P394L, P881L, P174L, P191L, P499L, P898L.
Identifiers: ClinVar variation 581269 (VCV000581269.8), dbSNP rs1216822754, ClinGen allele CA358705267.